The following is an entry in ClinVar:

NM_015488.5(PNKD):c.998T>G (p.Leu333Arg)

Genes: CATIP-AS2 (CATIP antisense RNA 2; minus strand), PNKD (PNKD metallo-beta-lactamase domain containing; plus strand). Cytogenetic location: 2q35.
Variant type: single nucleotide variant.
Coding change: c.998T>G on transcript NM_015488.5 (MANE Select); coding-DNA position 998, T replaced by G.
Protein change: p.Leu333Arg; replaces leucine 333 with arginine.
Molecular consequence: missense variant.
Genome position (GRCh38, 1-based): chr2:218,344,821, T>G. VCF-style: chr2-218344821-T-G. GRCh37 (hg19) VCF-style: chr2-219209544-T-G.
Other names: c.926T>G, p.Leu309Arg (NM_022572.5); short protein forms L333R, L309R.
Identifiers: ClinVar variation 580829 (VCV000580829.11), dbSNP rs1005386085, ClinGen allele CA65761968.

ClinVar aggregate classification (germline): Uncertain significance. Review status: criteria provided, multiple submitters, no conflicts (2 of 4 stars). 2 submissions from 2 submitters: Uncertain significance (2). Last evaluated 2025-01-27.

Conditions:
PNKD-related disorder. Also called: PNKD-related condition.
Paroxysmal nonkinesigenic dyskinesia. Also called: Paroxysmal non-kinesigenic dyskinesia. Identifiers: Orphanet 98810, MedGen C1869117, MONDO:0700088.

Allele frequency attached by ClinVar (database versions not stated): gnomAD 0.00001; gnomAD exomes 0.00001; TOPMed 0.00001.
gnomAD v4.1: 14 of 1,613,720 alleles (0.00087%); highest among the groups gnomAD compares: African/African-American, 0.0027%; no homozygotes.

Submissions (2):

PreventionGenetics, part of Exact Sciences
Classification: Uncertain significance for PNKD-related condition. Last evaluated: 2025-01-27. Review status: criteria provided, single submitter. Criteria: ACMG Guidelines, 2015. Collection method: clinical testing. Allele origin: germline.
Comment: The PNKD c.998T>G variant is predicted to result in the amino acid substitution p.Leu333Arg. To our knowledge, this variant has not been reported in the literature. This variant is reported in 0.0040% of alleles in individuals of African descent in gnomAD. At this time, the clinical significance of this variant is uncertain due to the absence of conclusive functional and genetic evidence.

Labcorp Genetics (formerly Invitae), Labcorp
Classification: Uncertain significance for Paroxysmal nonkinesigenic dyskinesia. Last evaluated: 2023-08-28. Review status: criteria provided, single submitter. Criteria: Invitae Variant Classification Sherloc (09022015). Collection method: clinical testing. Allele origin: germline.
Comment: In summary, the available evidence is currently insufficient to determine the role of this variant in disease. Therefore, it has been classified as a Variant of Uncertain Significance. Advanced modeling of protein sequence and biophysical properties (such as structural, functional, and spatial information, amino acid conservation, physicochemical variation, residue mobility, and thermodynamic stability) has been performed at Invitae for this missense variant, however the output from this modeling did not meet the statistical confidence thresholds required to predict the impact of this variant on PNKD protein function. This sequence change replaces leucine, which is neutral and non-polar, with arginine, which is basic and polar, at codon 333 of the PNKD protein (p.Leu333Arg). This variant is present in population databases (no rsID available, gnomAD 0.004%). This variant has not been reported in the literature in individuals affected with PNKD-related conditions. This missense change has been observed in at least one individual who was not affected with PNKD-related conditions (Invitae). ClinVar contains an entry for this variant (Variation ID: 580829).